The following is an entry in ClinVar:

NM_033028.5(BBS4):c.233G>A (p.Arg78His)

Gene: BBS4 (Bardet-Biedl syndrome 4; plus strand). Cytogenetic location: 15q24.1.
Variant type: single nucleotide variant.
Coding change: c.233G>A on transcript NM_033028.5 (MANE Select); coding-DNA position 233, G replaced by A.
Protein change: p.Arg78His; replaces arginine 78 with histidine.
Molecular consequence: missense variant. On other transcripts: 5 prime UTR variant (1), non-coding transcript variant (2).
Genome position (GRCh38, 1-based): chr15:72,715,303, G>A. VCF-style: chr15-72715303-G-A. GRCh37 (hg19) VCF-style: chr15-73007644-G-A.
Other names: c.-289G>A (NM_001252678.2); c.233G>A, p.Arg78His (NM_001320665.2); c.233G>A (NM_033028.4); short protein forms R78H.
Identifiers: ClinVar variation 1481565 (VCV001481565.10), dbSNP rs200396355, ClinGen allele CA7646561.

ClinVar aggregate classification (germline): Uncertain significance. Review status: criteria provided, multiple submitters, no conflicts (2 of 4 stars). 4 submissions from 4 submitters: Uncertain significance (4). Last evaluated 2026-05-26.

Conditions:
BBS4-related disorder. Also called: BBS4-related condition.
Bardet-Biedl syndrome (BBS). Identifiers: Orphanet 110, MedGen C0752166, MONDO:0015229.
Bardet-Biedl syndrome 4 (BBS4). Identifiers: Orphanet 110, MedGen C2936864, MONDO:0014433, OMIM 615982.

Allele frequency attached by ClinVar (database versions not stated): TOPMed 0.00002; gnomAD 0.00003; ESP Exome Variant Server 0.00008.
gnomAD v4.1: 23 of 1,609,368 alleles (0.0014%); highest among the groups gnomAD compares: East Asian, 0.02%; no homozygotes.

Submissions (4):

PreventionGenetics, part of Exact Sciences
Classification: Uncertain significance for BBS4-related condition. Last evaluated: 2026-05-26. Review status: criteria provided, single submitter. Criteria: ACMG Guidelines, 2015. Collection method: clinical testing. Allele origin: germline.
Comment: The BBS4 c.233G>A variant is predicted to result in the amino acid substitution p.Arg78His. To our knowledge, this variant has not been reported in the literature. This variant is reported in 0.0054% of alleles in individuals of East Asian descent in gnomAD. At this time, the clinical significance of this variant is uncertain due to the absence of conclusive functional and genetic evidence.

Labcorp Genetics (formerly Invitae), Labcorp
Classification: Uncertain significance for Bardet-Biedl syndrome. Last evaluated: 2024-08-13. Review status: criteria provided, single submitter. Criteria: Invitae Variant Classification Sherloc (09022015). Collection method: clinical testing. Allele origin: germline.
Comment: This sequence change replaces arginine, which is basic and polar, with histidine, which is basic and polar, at codon 78 of the BBS4 protein (p.Arg78His). This variant is present in population databases (rs200396355, gnomAD 0.006%). This variant has not been reported in the literature in individuals affected with BBS4-related conditions. ClinVar contains an entry for this variant (Variation ID: 1481565). Advanced modeling of protein sequence and biophysical properties (such as structural, functional, and spatial information, amino acid conservation, physicochemical variation, residue mobility, and thermodynamic stability) performed at Invitae indicates that this missense variant is expected to disrupt BBS4 protein function with a positive predictive value of 80%. Algorithms developed to predict the effect of sequence changes on RNA splicing suggest that this variant may disrupt the consensus splice site. In summary, the available evidence is currently insufficient to determine the role of this variant in disease. Therefore, it has been classified as a Variant of Uncertain Significance.

Blueprint Genetics
Classification: Uncertain significance. Last evaluated: 2022-03-12. Review status: criteria provided, single submitter. Criteria: ACMG Guidelines, 2015. Collection method: clinical testing. Allele origin: germline.

Fulgent Genetics
Classification: Uncertain significance for Bardet-Biedl syndrome 4. Last evaluated: 2021-08-12. Review status: criteria provided, single submitter. Criteria: ACMG Guidelines, 2015. Collection method: clinical testing. Allele origin: unknown.